The following is an entry in ClinVar:

NM_000051.4(ATM):c.4040T>A (p.Leu1347Ter)

Gene: ATM (ATM serine/threonine kinase; plus strand). Cytogenetic location: 11q22.3.
Variant type: single nucleotide variant.
Coding change: c.4040T>A on transcript NM_000051.4 (MANE Select); coding-DNA position 4040, T replaced by A.
Protein change: p.Leu1347Ter; replaces leucine 1347 with a stop codon.
Molecular consequence: nonsense.
Genome position (GRCh38, 1-based): chr11:108,287,646, T>A. VCF-style: chr11-108287646-T-A. GRCh37 (hg19) VCF-style: chr11-108158373-T-A.
Other names: c.4040T>A, p.Leu1347Ter (NM_001351834.2); short protein forms L1347*.
Identifiers: ClinVar variation 620210 (VCV000620210.12), dbSNP rs1565452621, ClinGen allele CA382527758.

ClinVar aggregate classification (germline): Pathogenic. Review status: criteria provided, multiple submitters, no conflicts (2 of 4 stars). 3 submissions from 3 submitters: Pathogenic (3). Last evaluated 2020-04-22.

Conditions:
Hereditary cancer-predisposing syndrome. Also called: Tumor predisposition; Neoplastic Syndromes, Hereditary; Hereditary Cancer Syndrome; Hereditary neoplastic syndrome. Identifiers: Orphanet 140162, MedGen C0027672, MeSH D009386, MONDO:0015356.
Ataxia-telangiectasia syndrome (AT). Also called: ATAXIA-TELANGIECTASIA, COMPLEMENTATION GROUP A; ATAXIA-TELANGIECTASIA, FRESNO VARIANT; LOUIS-BAR SYNDROME; Ataxia telangiectasia (A-T); Cerebello-oculocutaneous telangiectasia; Immunodeficiency with ataxia telangiectasia. Identifiers: Orphanet 100, MedGen C0004135, MONDO:0008840, OMIM 208900.

Submissions (3):

Color Diagnostics, LLC DBA Color Health
Classification: Pathogenic for Hereditary cancer-predisposing syndrome. Last evaluated: 2020-04-22. Review status: criteria provided, single submitter. Criteria: ACMG Guidelines, 2015. Collection method: clinical testing. Allele origin: germline.
Comment: This variant changes 1 nucleotide in exon 27 of the ATM gene, creating a premature translation stop signal. This variant is expected to result in an absent or non-functional protein product. To our knowledge, this variant has not been reported in individuals affected with hereditary cancer in the literature. This variant has not been identified in the general population by the Genome Aggregation Database (gnomAD). Loss of ATM function is a known mechanism of disease. Based on the available evidence, this variant is classified as Pathogenic.

Labcorp Genetics (formerly Invitae), Labcorp
Classification: Pathogenic for Ataxia-telangiectasia syndrome. Last evaluated: 2018-07-11. Review status: criteria provided, single submitter. Criteria: Invitae Variant Classification Sherloc (09022015). Collection method: clinical testing. Allele origin: germline.
Comment: For these reasons, this variant has been classified as Pathogenic. Loss-of-function variants in ATM are known to be pathogenic (PMID: 23807571, 25614872). This variant has not been reported in the literature in individuals with ATM-related disease. This variant is not present in population databases (ExAC no frequency). This sequence change creates a premature translational stop signal (p.Leu1347*) in the ATM gene. It is expected to result in an absent or disrupted protein product.

GeneDx
Classification: Pathogenic. Last evaluated: 2018-05-18. Review status: criteria provided, single submitter. Criteria: GeneDx Variant Classification (06012015). Collection method: clinical testing. Allele origin: germline. Affected: yes.
Comment: This variant is denoted ATM c.4040T>A at the cDNA level and p.Leu1347Ter (L1347X) at the protein level. The substitution creates a nonsense variant, which changes a Leucine to a premature stop codon (TTA>TAA), and is predicted to cause loss of normal protein function through either protein truncation or nonsense-mediated mRNA decay. Although this variant has not, to our knowledge, been reported in the literature as a germline variant, it is considered pathogenic.

Literature cited by the submitters: PubMed 23807571 (cited by Labcorp Genetics (formerly Invitae), Labcorp); PubMed 25614872 (cited by Labcorp Genetics (formerly Invitae), Labcorp).